The following is an entry in ClinVar:

NM_030973.4(MED25):c.1794C>T (p.Ala598=)

Gene: MED25 (mediator complex subunit 25; plus strand). Cytogenetic location: 19q13.33.
Variant type: single nucleotide variant.
Coding change: c.1794C>T on transcript NM_030973.4 (MANE Select); coding-DNA position 1794, C replaced by T.
Protein change: p.Ala598=; no amino-acid change (alanine 598 retained).
Molecular consequence: synonymous variant.
Genome position (GRCh38, 1-based): chr19:49,835,774, C>T. VCF-style: chr19-49835774-C-T. GRCh37 (hg19) VCF-style: chr19-50339031-C-T.
Other names: c.1794C>T, p.Ala598= (NM_001378355.1).
Identifiers: ClinVar variation 215536 (VCV000215536.24), dbSNP rs185100172, ClinGen allele CA338259.

ClinVar aggregate classification (germline): Benign/Likely benign. Review status: criteria provided, multiple submitters, no conflicts (2 of 4 stars). 5 submissions from 5 submitters: Benign (3); Likely benign (2). Last evaluated 2026-02-01.

Conditions:
Charcot-Marie-Tooth disease. Also called: Charcot-Marie-Tooth Neuropathy; Charcot-Marie-Tooth Hereditary Neuropathy. Identifiers: Orphanet 166, MedGen C0007959, MONDO:0015626.
Charcot-Marie-Tooth disease type 2. Also called: Charcot-Marie-Tooth type 2. Identifiers: Orphanet 64746, MedGen C0270914, MONDO:0018993.
Congenital cataract-microcephaly-nevus flammeus simplex-severe intellectual disability syndrome. Also called: Basel-Vanagaite-Smirin-Yosef syndrome. Identifiers: Orphanet 464738, MedGen C4225323, MONDO:0014643, OMIM 616449.

Allele frequency attached by ClinVar (database versions not stated): TOPMed 0.00470; 1000 Genomes Project 30x 0.00468; gnomAD 0.00502 and 0.00456; gnomAD exomes 0.00785 and 0.00716; 1000 Genomes Project 0.00499; ESP Exome Variant Server 0.00579; ExAC 0.00867.
gnomAD v4.1: 12,173 of 1,608,894 alleles (0.76%); highest among the groups gnomAD compares: South Asian, 2.2%; 89 homozygotes.

Submissions (5):

Labcorp Genetics (formerly Invitae), Labcorp
Classification: Benign for Charcot-Marie-Tooth disease type 2. Last evaluated: 2026-02-01. Review status: criteria provided, single submitter. Criteria: Invitae Variant Classification Sherloc (09022015). Collection method: clinical testing. Allele origin: germline.

ARUP Laboratories, Molecular Genetics and Genomics, ARUP Laboratories
Classification: Benign for Congenital cataract-microcephaly-nevus flammeus simplex-severe intellectual disability syndrome. Last evaluated: 2025-07-17. Review status: criteria provided, single submitter. Criteria: ARUP Molecular Germline Variant Investigation Process 2024. Collection method: clinical testing. Allele origin: germline.

GeneDx
Classification: Likely benign. Last evaluated: 2015-11-24. Review status: criteria provided, single submitter. Criteria: GeneDx Variant Classification (06012015). Collection method: clinical testing. Allele origin: germline. Affected: yes.
Comment: This variant is considered likely benign or benign based on one or more of the following criteria: it is a conservative change, it occurs at a poorly conserved position in the protein, it is predicted to be benign by multiple in silico algorithms, and/or has population frequency not consistent with disease.

Breakthrough Genomics
Classification: Likely benign. Review status: criteria provided, single submitter. Criteria: ACMG Guidelines, 2015. Collection method: not provided. Allele origin: germline. Inheritance: Autosomal recessive inheritance. Affected: yes.

Molecular Genetics Laboratory, London Health Sciences Centre
Classification: Benign for Charcot-Marie-Tooth disease. Review status: criteria provided, single submitter. Criteria: ACMG Guidelines, 2015. Collection method: clinical testing. Allele origin: germline. Affected: yes.